The following is an entry in ClinVar:

ClinVar aggregate classification (germline): Uncertain significance. Review status: criteria provided, multiple submitters, no conflicts (2 of 4 stars). 2 submissions from 2 submitters: Uncertain significance (2). Last evaluated 2025-03-17.

Conditions:
Hereditary cancer-predisposing syndrome. Also called: Hereditary Cancer Syndrome; Hereditary neoplastic syndrome; Neoplastic Syndromes, Hereditary; Tumor predisposition. Identifiers: Orphanet 140162, MedGen C0027672, MeSH D009386, MONDO:0015356.
Tuberous sclerosis 1 (TSC1). Identifiers: Orphanet 805, MedGen C1854465, MONDO:0008612, OMIM 191100.

Submissions (2):

Labcorp Genetics (formerly Invitae), Labcorp
Classification: Uncertain significance for Tuberous sclerosis 1. Last evaluated: 2025-03-17. Review status: criteria provided, single submitter. Criteria: Invitae Variant Classification Sherloc (09022015). Collection method: clinical testing. Allele origin: germline.
Comment: This sequence change replaces cysteine, which is neutral and slightly polar, with phenylalanine, which is neutral and non-polar, at codon 1000 of the TSC1 protein (p.Cys1000Phe). This variant is not present in population databases (gnomAD no frequency). This variant has not been reported in the literature in individuals affected with TSC1-related conditions. ClinVar contains an entry for this variant (Variation ID: 2081939). Invitae Evidence Modeling of protein sequence and biophysical properties (such as structural, functional, and spatial information, amino acid conservation, physicochemical variation, residue mobility, and thermodynamic stability) indicates that this missense variant is not expected to disrupt TSC1 protein function with a negative predictive value of 95%. In summary, the available evidence is currently insufficient to determine the role of this variant in disease. Therefore, it has been classified as a Variant of Uncertain Significance.

Ambry Genetics
Classification: Uncertain significance for Hereditary cancer-predisposing syndrome. Last evaluated: 2025-01-17. Review status: criteria provided, single submitter. Criteria: Ambry Variant Classification Scheme 2023. Collection method: clinical testing. Allele origin: germline.
Comment: The p.C1000F variant (also known as c.2999G>T), located in coding exon 21 of the TSC1 gene, results from a G to T substitution at nucleotide position 2999. The cysteine at codon 1000 is replaced by phenylalanine, an amino acid with highly dissimilar properties. This amino acid position is conserved. In addition, this alteration is predicted to be deleterious by in silico analysis. Based on the available evidence, the clinical significance of this variant remains unclear.

NM_000368.5(TSC1):c.2999G>T (p.Cys1000Phe)

Gene: TSC1 (TSC complex subunit 1; minus strand). Cytogenetic location: 9q34.13.
Variant type: single nucleotide variant.
Coding change: c.2999G>T on transcript NM_000368.5 (MANE Select); coding-DNA position 2999, G replaced by T.
Protein change: p.Cys1000Phe; replaces cysteine 1000 with phenylalanine.
Molecular consequence: missense variant.
Genome position (GRCh38, 1-based): chr9:132,896,731, C>A on the plus strand (G>T on the coding strand, the complement: TSC1 is on the minus strand). VCF-style: chr9-132896731-C-A. GRCh37 (hg19) VCF-style: chr9-135772118-C-A.
Other names: c.2996G>T, p.Cys999Phe (NM_001162426.2, NM_001406597.1, NM_001406598.1 and 2 more transcripts); c.2846G>T, p.Cys949Phe (NM_001162427.2, NM_001406610.1); c.2636G>T, p.Cys879Phe (NM_001362177.2, NM_001406616.1, NM_001406617.1 and 4 more transcripts); c.2999G>T, p.Cys1000Phe (NM_001406592.1, NM_001406593.1, NM_001406594.1 and 2 more transcripts); c.2984G>T, p.Cys995Phe (NM_001406601.1, NM_001406602.1); c.2981G>T, p.Cys994Phe (NM_001406603.1, NM_001406604.1); c.2957G>T, p.Cys986Phe (NM_001406605.1, NM_001406606.1, NM_001406607.1); c.2633G>T, p.Cys878Phe (NM_001406620.1, NM_001406621.1, NM_001406622.1 and 1 more transcripts); and 8 more; short protein forms C1000F, C682F, C864F, C878F, C934F, C949F, C995F, C683F.
Identifiers: ClinVar variation 2081939 (VCV002081939.5), dbSNP rs1845088618, ClinGen allele CA375367969.